The following is an entry in ClinVar:

ClinVar aggregate classification (germline): Pathogenic/Likely pathogenic. Review status: criteria provided, multiple submitters, no conflicts (2 of 4 stars). 2 submissions from 2 submitters: Pathogenic (1); Likely pathogenic (1). Last evaluated 2025-03-28.

Conditions:
Hereditary cancer-predisposing syndrome. Also called: Neoplastic Syndromes, Hereditary; Tumor predisposition; Hereditary Cancer Syndrome; Hereditary neoplastic syndrome. Identifiers: Orphanet 140162, MedGen C0027672, MeSH D009386, MONDO:0015356.
Lynch syndrome 4 (LYNCH4). Also called: Colorectal cancer, hereditary nonpolyposis, type 4; Hereditary non-polyposis colorectal cancer, type 4. Identifiers: Orphanet 144, MedGen C1838333, MONDO:0013699, OMIM 614337. Disease mechanism: loss of function.

Submissions (2):

Myriad Genetics, Inc.
Classification: Likely pathogenic for Lynch syndrome 4. Last evaluated: 2025-03-28. Review status: criteria provided, single submitter. Criteria: Myriad Autosomal Dominant, Autosomal Recessive and X-Linked Classification Criteria (2023). Collection method: clinical testing. Allele origin: unknown.
Comment: This variant is considered likely pathogenic. This variant creates a frameshift predicted to result in the incorporation of abnormal amino acid sequence into the protein product and abnormal protein elongation.

Ambry Genetics
Classification: Pathogenic for Hereditary cancer-predisposing syndrome. Last evaluated: 2024-09-24. Review status: criteria provided, single submitter. Criteria: Ambry Variant Classification Scheme 2023. Collection method: clinical testing. Allele origin: germline.
Comment: The c.2506dupG pathogenic mutation, located in coding exon 15 of the PMS2 gene, results from a duplication of G at nucleotide position 2506, causing a translational frameshift with a predicted alternate stop codon (p.E836Gfs*52). This alteration occurs at the 3' terminus of thePMS2 gene, is not expected to trigger nonsense-mediated mRNAdecay and results in the elongation of the protein by 24 amino acids. This frameshift impacts the last 27amino acids of the native protein. However, frameshifts are typically deleterious in nature and the impacted region is critical for protein function (Ambry internal data). Based on the supporting evidence, this variant is interpreted as a disease-causing mutation.

NM_000535.7(PMS2):c.2506dup (p.Glu836fs)

Gene: PMS2 (PMS1 homolog 2, mismatch repair system component; minus strand). Cytogenetic location: 7p22.1.
Variant type: Duplication.
Coding change: c.2506dup on transcript NM_000535.7 (MANE Select); coding-DNA position 2506, one base duplicated (G; older notation c.2506dupG).
Protein change: p.Glu836fs; shifts the reading frame from glutamic acid 836.
Molecular consequence: frameshift variant. On other transcripts: non-coding transcript variant (1).
Genome position (GRCh38, 1-based): chr7:5,973,482, C duplicated on the plus strand (G on the coding strand, the reverse complement: PMS2 is on the minus strand); the first of 5 consecutive C bases (chr7:5,973,482-5,973,486); duplicating any one gives the same sequence. VCF-style (leftmost placement, unchanged base first): chr7-5973481-T-TC. GRCh37 (hg19) VCF-style: chr7-6013112-T-TC.
Other names: c.2101dup, p.Glu701fs (NM_001406891.1, NM_001406892.1, NM_001406893.1 and 11 more transcripts); c.2041dup, p.Glu681fs (NM_001406900.1); c.2032dup, p.Glu678fs (NM_001406901.1, NM_001406902.1); c.2020dup, p.Glu674fs (NM_001406903.1); c.1993dup, p.Glu665fs (NM_001406904.1, NM_001406905.1); c.1945dup, p.Glu649fs (NM_001406906.1, NM_001406907.1, NM_001322010.2); c.1933dup, p.Glu645fs (NM_001406908.1, NM_001406909.1, NM_001322013.2); c.1789dup, p.Glu597fs (NM_001406910.1); and 21 more; short protein forms E579fs, E714fs, E728fs, E784fs, E800fs, E836fs, E844fs, E435fs.
Identifiers: ClinVar variation 3421500 (VCV003421500.2).
Genomic context (GRCh38, chr7:5,973,481, plus strand): 5'-AGGTTGGCGATGTGTCTCATGGTTGGCCTTCCATGGGGACAGTTCCAGGGGTGGTCCATC[T>TC]CCCCCATGTGGGTGATCAGTTTCTTCATCTCGCTTGTGTTAAGAGCAGTCCCAATCATCA-3'